The following is an entry in ClinVar:

NM_000540.3(RYR1):c.8464A>T (p.Thr2822Ser)

Genes: RYR1 (ryanodine receptor 1; plus strand), LOC126862902 (BRD4-independent group 4 enhancer GRCh37_chr19:38995830-38997029; plus strand). Cytogenetic location: 19q13.2.
Variant type: single nucleotide variant.
Coding change: c.8464A>T on transcript NM_000540.3 (MANE Select); coding-DNA position 8464, A replaced by T.
Protein change: p.Thr2822Ser; replaces threonine 2822 with serine.
Molecular consequence: missense variant.
Genome position (GRCh38, 1-based): chr19:38,505,869, A>T. VCF-style: chr19-38505869-A-T. GRCh37 (hg19) VCF-style: chr19-38996509-A-T.
Other names: c.8464A>T, p.Thr2822Ser (NM_001042723.2); short protein forms T2822S.
Identifiers: ClinVar variation 2435553 (VCV002435553.7), dbSNP rs2514362032, ClinGen allele CA405678706.

ClinVar aggregate classification (germline): Uncertain significance. Review status: criteria provided, multiple submitters, no conflicts (2 of 4 stars). 3 submissions from 3 submitters: Uncertain significance (3). Last evaluated 2025-08-07.

Conditions:
Malignant hyperthermia, susceptibility to, 1 (MHS1). Also called: Anesthesia related hyperthermia; Malignant hyperpyrexia; Fulminating hyperpyrexia; Pharmacogenic myopathy; Malignant hyperthermia suceptibility 1; RYR1-Related Malignant Hyperthermia Susceptibility. Identifiers: Orphanet 423, MedGen C2930980, MONDO:0007783, OMIM 145600.
RYR1-related disorder. Also called: RYR1-related disorders; RYR1-related condition. Identifiers: MedGen CN239331.

Submissions (3):

Color Diagnostics, LLC DBA Color Health
Classification: Uncertain significance for Malignant hyperthermia, susceptibility to, 1. Last evaluated: 2025-08-07. Review status: criteria provided, single submitter. Criteria: ACMG Guidelines, 2015. Collection method: clinical testing. Allele origin: germline.
Comment: This missense variant replaces threonine with serine at codon 2822 of the RYR1 protein. Computational prediction suggests that this variant may not impact protein structure and function. To our knowledge, functional studies have not been reported for this variant. This variant has not been reported in individuals affected with RYR1-related disorders in the literature. This variant has not been identified in the general population by the Genome Aggregation Database (gnomAD). The available evidence is insufficient to determine the role of this variant in disease conclusively. Therefore, this variant is classified as a Variant of Uncertain Significance.

Labcorp Genetics (formerly Invitae), Labcorp
Classification: Uncertain significance for RYR1-related disorder. Last evaluated: 2023-12-21. Review status: criteria provided, single submitter. Criteria: Invitae Variant Classification Sherloc (09022015). Collection method: clinical testing. Allele origin: germline.
Comment: This sequence change replaces threonine, which is neutral and polar, with serine, which is neutral and polar, at codon 2822 of the RYR1 protein (p.Thr2822Ser). This variant is not present in population databases (gnomAD no frequency). This variant has not been reported in the literature in individuals affected with RYR1-related conditions. ClinVar contains an entry for this variant (Variation ID: 2435553). Advanced modeling of protein sequence and biophysical properties (such as structural, functional, and spatial information, amino acid conservation, physicochemical variation, residue mobility, and thermodynamic stability) performed at Invitae indicates that this missense variant is not expected to disrupt RYR1 protein function with a negative predictive value of 95%. In summary, the available evidence is currently insufficient to determine the role of this variant in disease. Therefore, it has been classified as a Variant of Uncertain Significance.

Revvity Omics, Revvity
Classification: Uncertain significance. Last evaluated: 2019-09-19. Review status: criteria provided, single submitter. Criteria: ACMG Guidelines, 2015. Collection method: clinical testing. Allele origin: germline.